The following is an entry in ClinVar:

ClinVar aggregate classification (germline): Pathogenic/Likely pathogenic. Review status: criteria provided, multiple submitters, no conflicts (2 of 4 stars). 17 submissions from 16 submitters: Pathogenic (11); Likely pathogenic (4). 2 of the submissions do not count toward it. Last evaluated 2026-02-26.

Conditions:
Cardiovascular phenotype. Identifiers: MedGen CN230736.
Cardiac arrhythmia. Also called: Arrhythmia; Cardiac rhythm disease. Identifiers: MedGen C0003811, MONDO:0007263, HP:0011675.
KCNH2-related disorder. Also called: KCNH2-related disorders; KCNH2-related condition.
Familial long QT syndrome (RWS). Also called: Congenital long QT syndrome; Romano-Ward syndrome; VENTRICULAR FIBRILLATION WITH PROLONGED QT INTERVAL. Identifiers: Orphanet 768, MedGen C1141890, MONDO:0019171.
Short QT syndrome type 1. Identifiers: Orphanet 51083, MedGen C1865020, MONDO:0012312, OMIM 609620.
Long QT syndrome 2 (LQT2). Identifiers: Orphanet 101016, Orphanet 768, MedGen C3150943, MONDO:0013367, OMIM 613688.
Long QT syndrome (LQTS). Identifiers: MedGen C0023976, MeSH D008133, MONDO:0002442. Disease mechanism: loss of function. Inheritance: Various modes of inheritance.

Allele frequency attached by ClinVar (database versions not stated): ExAC 0.00002; gnomAD exomes 0.00001; TOPMed below 0.00001.
gnomAD v4.1: 15 of 1,614,238 alleles (0.00093%); highest among the groups gnomAD compares: Non-Finnish European, 0.0012%; no homozygotes.

Submissions 1 to 9 of 17:

Dasa
Classification: Pathogenic. Last evaluated: 2026-02-26. Review status: criteria provided, single submitter. Criteria: DASA Assertion Criteria. Collection method: clinical testing. Allele origin: germline.
Comment: NM_000238.4(KCNH2):c.1750G>A (p.Gly584Ser) is a missense variant that results in the substitution of glycine with serine. Functional evidence supports a deleterious effect on the gene or gene product (PMID: 37386841; PMID: 19490267; PMID: 34841674; PMID: 31358886; PMID: 10862094). This variant has been recurrently observed in individuals with related phenotype (PMID: 37386841; PMID: 19490267; PMID: 34841674; PMID: 31358886; PMID: 10862094). Segregation evidence has been reported in affected families. Multiple computational predictions support a deleterious effect on the gene or gene product. The variant is present at low frequency in population datasets. Based on the available data, this variant is classified as pathogenic.

Labcorp Genetics (formerly Invitae), Labcorp
Classification: Pathogenic for Long QT syndrome. Last evaluated: 2026-01-11. Review status: criteria provided, single submitter. Criteria: Invitae Variant Classification Sherloc (09022015). Collection method: clinical testing. Allele origin: germline.
Comment: This sequence change replaces glycine, which is neutral and non-polar, with serine, which is neutral and polar, at codon 584 of the KCNH2 protein (p.Gly584Ser). This variant is present in population databases (rs199473428, gnomAD 0.002%). This missense change has been observed in individuals with long QT syndrome (LQTS) (PMID: 10862094, 10973849, 19490267, 22949429, 24606995). It has also been observed to segregate with disease in related individuals. ClinVar contains an entry for this variant (Variation ID: 67261). An algorithm developed to predict the effect of missense changes on protein structure and function (PolyPhen-2) suggests that this variant is likely to be disruptive. Experimental studies have shown that this missense change affects KCNH2 function (PMID: 19490267). For these reasons, this variant has been classified as Pathogenic.

Ambry Genetics
Classification: Likely pathogenic for Cardiovascular phenotype. Last evaluated: 2025-01-24. Review status: criteria provided, single submitter. Criteria: Ambry Variant Classification Scheme 2023. Collection method: clinical testing. Allele origin: germline.
Comment: The p.G584S variant (also known as c.1750G>A), located in coding exon 7 of the KCNH2 gene, results from a G to A substitution at nucleotide position 1750. The glycine at codon 584 is replaced by serine, an amino acid with similar properties, and is located in the S5/pore transmembrane spanning region. This alteration has been detected in long QT syndrome (LQTS) cohorts, a sudden cardiac arrest/death cohort, and cohorts referred for LQTS genetic testing with varying levels of clinical detail (Splawski I et al. Circulation. 2000;102:1178-85; Kapa S et al. Circulation. 2009;120:1752-60; Kapplinger JD et al. Heart Rhythm. 2009;6:1297-303; Stattin EL et al. BMC Cardiovasc Disord. 2012;12:95; Christiansen M et al. BMC Med Genet. 2014;15:31; Li MH et al. Hum Genomics. 2015;9:15; Nakajima T et al. Circ J. 2015;79(6):1185-92). This alteration has been reported to segregate with disease in a family with symptomatic individuals and members with moderate QTc prolongation where, overall, carriers had longer QT intervals than non-carriers; however, some individuals with QT prolongation were not indicated as carriers of this alteration, suggesting that this alteration is associated with reduced phenotypic penetrance (Kerr SM et al. Sci Rep, 2019 Jul;9:10964; Swan H et al. J Am. Coll Cardiol. 1999;34:823-9; Laitinen P et al. Hum Mutat. 2000;15:580-1). In vitro functional studies have suggested this alteration may have some impact on channel function or protein trafficking (Zhao JT et al. J Cardiovasc Electrophysiol. 2009;20:923-30; Perry MD et al. J Physiol Lond. 2016;594:4031-49). This amino acid position is highly conserved in available vertebrate species. In addition, this alteration is predicted to be deleterious by in silico analysis. Based on the majority of available evidence to date, this variant is likely to be pathogenic.

Blueprint Genetics
Classification: Pathogenic for KCNH2-related disorders. Last evaluated: 2024-09-23. Review status: criteria provided, single submitter. Criteria: ACMG Guidelines, 2015. Collection method: clinical testing. Allele origin: germline. Affected: yes. Observed: 5 variant alleles.

Baylor Genetics
Classification: Pathogenic for Short QT syndrome type 1. Last evaluated: 2024-03-11. Review status: criteria provided, single submitter. Criteria: ACMG Guidelines, 2015. Collection method: clinical testing. Allele origin: unknown.

Baylor Genetics
Classification: Pathogenic for Long QT syndrome 2. Last evaluated: 2024-03-11. Review status: criteria provided, single submitter. Criteria: ACMG Guidelines, 2015. Collection method: clinical testing. Allele origin: unknown.

Rady Children's Institute for Genomic Medicine, Rady Children's Hospital San Diego
Classification: Pathogenic for KCNH2-related disorders. Last evaluated: 2023-11-24. Review status: criteria provided, single submitter. Criteria: ACMG Guidelines, 2015. Collection method: clinical testing. Allele origin: germline. Affected: yes.
Comment: The KCNH2 gene is constrained against missense variation (Z-score= 3.37), and missense variants are a common mechanism of disease (HGMD, ClinVar database; PMID: 20301308). The c.1750G>A (p.Gly584Ser) variant affects a highly conserved amino acid; however, in silico tools used to predict the effect of this variant on protein function yield discordant results. This variant has been reported in families and individuals with long QT syndrome and is one of the most common alterations in the KCNH2 gene (PMID: 10862094, 10973849, 22949429, 24606995, 32048431, 34319147, 26187847, 19490267, 31358886). Different amino acid changes at the same residue (p.Gly584Arg, p.Gly584Cys, p.Gly584Val) have been previously reported in individuals with long QT syndrome (PMID: 19716085, 18441445, 18752142). Functional studies indicate this variant causes potassium channel gating defects (PMID: 19490267). The c.1750G>A (p.Gly584Ser) variant is present in the heterozygous state in the gnomAD population database at a frequency of 0.001% (2/251412) and thus is presumed to be rare. Based on the available evidence, c.1750G>A (p.Gly584Ser) is classified as Pathogenic.

Institute of Human Genetics Munich, TUM University Hospital
Classification: Pathogenic for Long QT syndrome 2. Last evaluated: 2023-06-21. Review status: criteria provided, single submitter. Criteria: Classification criteria August 2017. Collection method: clinical testing. Allele origin: paternal. Inheritance: Autosomal dominant inheritance. Affected: yes. Observed: 1 variant allele.

New York Genome Center
Classification: Pathogenic for Long QT syndrome 2. Last evaluated: 2023-05-26. Review status: criteria provided, single submitter. Criteria: NYGC Assertion Criteria 2020. Collection method: clinical testing. Allele origin: inherited. Affected: yes. Observed: 1 variant allele, 1 heterozygote.
Comment: The c.1750G>A variant in KCNH2 has previously been reported in individuals with Long QT syndrome 2 (LQTS2) [PMID: 10483966, 26187847, 34319147] and it has been deposited in ClinVar as Pathogenic by multiple submitters with affectedness status provided [ClinVar ID: 3.3724]. The c.1750G>A variant is observed in 3 alleles (~0.0005% minor allele frequency with 0 homozygotes) in population databases (gnomAD v2.1.1 and v3.1.2, TOPMed Freeze 8), suggesting it is not a common benign variant in the populations represented in those databases. The c.1750G>A variant in KCNH2 is located in exon 7 of this 15-exon gene, and is predicted to replace an evolutionarily conserved glycine amino acid with serine at position 584 (p.(Gly584Ser)) in the ion transport domain (aa 408-668) of the encoded protein. In silico predictions are moderately in favor of damaging effect for the p.(Gly584Ser) variant [CADD v1.6 = 26.7 , REVEL = 0.866]. In vitro studies reported normal subunit trafficking to the plasma membrane but enhanced inactivation of gating [PMID: 19490267, 35688147]. Variants affecting the same amino acid residue (p.Gly584Cys,p.Gly584Val, p.Gly584Arg) have also been reported in individuals with long QT syndrome 2 [PMID: 18441445, 18752142, 19716085]. Based on available evidence this heterozygous c.1750G>A p.(Gly584Ser) variant identified in KCNH2 is classified as Pathogenic.

NM_000238.4(KCNH2):c.1750G>A (p.Gly584Ser)

Gene: KCNH2 (potassium voltage-gated channel subfamily H member 2; minus strand). Cytogenetic location: 7q36.1.
Variant type: single nucleotide variant.
Coding change: c.1750G>A on transcript NM_000238.4 (MANE Select); coding-DNA position 1750, G replaced by A.
Protein change: p.Gly584Ser; replaces glycine 584 with serine.
Molecular consequence: missense variant.
Genome position (GRCh38, 1-based): chr7:150,951,643, C>T on the plus strand (G>A on the coding strand, the complement: KCNH2 is on the minus strand). VCF-style: chr7-150951643-C-T. GRCh37 (hg19) VCF-style: chr7-150648731-C-T.
Other names: p.G584S:GGC>AGC; c.1750G>A (LRG_288t1); c.730G>A, p.Gly244Ser (NM_001204798.2, NM_172057.3); c.1462G>A, p.Gly488Ser (NM_001406753.1, NM_001406756.1); c.1573G>A, p.Gly525Ser (NM_001406755.1); c.1450G>A, p.Gly484Ser (NM_001406757.1); c.1750G>A, p.Gly584Ser (NM_172056.3); short protein forms G244S, G584S, G488S, G525S, G484S.
Identifiers: ClinVar variation 67261 (VCV000067261.73), dbSNP rs199473428, ClinGen allele CA005371.